The following is an entry in ClinVar:

ClinVar aggregate classification (germline): Conflicting classifications of pathogenicity. Review status: criteria provided, conflicting classifications (1 of 4 stars). 3 submissions from 3 submitters: Likely pathogenic (1); Uncertain significance (2). Last evaluated 2025-06-08.

Conditions:
Macrocephaly, acquired, with impaired intellectual development. Also called: MACROCEPHALY, ACQUIRED, WITH MENTAL RETARDATION. Identifiers: MedGen C4748993, MONDO:0032658, OMIM 618286.

Allele frequency attached by ClinVar (database versions not stated): gnomAD exomes below 0.00001 and 0.00001.
gnomAD v4.1: 5 of 1,538,186 alleles (0.00033%); highest among the groups gnomAD compares: Admixed American, 0.002%; no homozygotes.

Submissions (3):

Laboratorio de Genetica e Diagnostico Molecular, Hospital Israelita Albert Einstein
Classification: Likely pathogenic for Macrocephaly, acquired, with impaired intellectual development. Last evaluated: 2025-06-08. Review status: criteria provided, single submitter. Criteria: ACMG Guidelines, 2015. Collection method: clinical testing. Allele origin: germline. Affected: yes.
Comment: ACMG classification criteria: PVS1 very strong, PM2 supporting

Laboratory of Molecular Genetics (Pr. Bezieau's lab), CHU de Nantes
Classification: Uncertain significance. Last evaluated: 2019-02-13. Review status: criteria provided, single submitter. Criteria: ACMG Guidelines, 2015. Collection method: clinical testing. Allele origin: germline. Affected: yes.

Juno Genomics, Hangzhou Juno Genomics, Inc
Classification: Uncertain significance for Macrocephaly, acquired, with impaired intellectual development. Review status: criteria provided, single submitter. Criteria: ACMG Guidelines, 2015. Collection method: clinical testing. Allele origin: germline.
Comment: Absent from controls (or at extremely low frequency if recessive) in Genome Aggregation Database.

NM_001190737.2(NFIB):c.1330C>T (p.Arg444Ter)

Gene: NFIB (nuclear factor I B; minus strand). Cytogenetic location: 9p23.
Variant type: single nucleotide variant.
Coding change: c.1330C>T on transcript NM_001190737.2 (MANE Select); coding-DNA position 1330, C replaced by T.
Protein change: p.Arg444Ter; replaces arginine 444 with a stop codon.
Molecular consequence: nonsense. On other transcripts: intron variant (18).
Genome position (GRCh38, 1-based): chr9:14,116,262, G>A on the plus strand (C>T on the coding strand, the complement: NFIB is on the minus strand). VCF-style: chr9-14116262-G-A. GRCh37 (hg19) VCF-style: chr9-14116261-G-A.
Other names: c.574C>T, p.Arg192Ter (NM_001282787.2); c.1396C>T, p.Arg466Ter (NM_001369458.1, NM_001369459.1); c.1318C>T, p.Arg440Ter (NM_001369460.1, NM_001369463.1); c.1330C>T, p.Arg444Ter (NM_001369461.1); c.1303C>T, p.Arg435Ter (NM_001369465.1); c.1093C>T, p.Arg365Ter (NM_001369470.1); c.1245+4178C>T (NM_005596.3, NM_001369464.1); c.1311+4178C>T (NM_001369468.1, NM_001369462.1); and 11 more; short protein forms R192*, R444*, R466*, R365*, R435*, R440*.
Identifiers: ClinVar variation 633574 (VCV000633574.6), dbSNP rs1191193223, ClinGen allele CA373091528.